The following is an entry in ClinVar:

ClinVar aggregate classification (germline): Uncertain significance (1 of 4 stars; one submission).

Conditions:
Intellectual developmental disorder, autosomal recessive 5. Also called: Intellectual disability, autosomal recessive 5. Identifiers: Orphanet 88616, MedGen C1970199, MONDO:0012613, OMIM 611091.

Submission:

Neuberg Centre For Genomic Medicine, NCGM
Classification: Uncertain significance for Intellectual developmental disorder, autosomal recessive 5. Last evaluated: 2023-06-02. Review status: criteria provided, single submitter. Criteria: ACMG Guidelines, 2015. Collection method: clinical testing. Allele origin: germline. Inheritance: Autosomal recessive inheritance. Affected: yes.
Comment: The observed missense c.1357A>G(p.Thr453Ala) variant in NSUN2 gene has not been reported previously as a pathogenic variant nor a benign variant, to our knowledge. The p.Thr453Ala variant is absent in gnomAD Exomes. This variant has not been submitted to the ClinVar database. Multiple lines of computational evidences (Polyphen - Benign, SIFT - Tolerated and MutationTaster - Polymorpshism) predict no damaging effect on protein structure and function for this variant. The amino acid Thr at position 453 is changed to a Ala changing protein sequence and it might alter its composition and physico-chemical properties. For these reasons, this variant has been classified as a Variant of Uncertain Significance (VUS).

NM_017755.6(NSUN2):c.1357A>G (p.Thr453Ala)

Gene: NSUN2 (NOP2/Sun RNA methyltransferase 2; minus strand). Cytogenetic location: 5p15.31.
Variant type: single nucleotide variant.
Coding change: c.1357A>G on transcript NM_017755.6 (MANE Select); coding-DNA position 1357, A replaced by G.
Protein change: p.Thr453Ala; replaces threonine 453 with alanine.
Molecular consequence: missense variant. On other transcripts: non-coding transcript variant (1).
Genome position (GRCh38, 1-based): chr5:6,607,351, T>C on the plus strand (A>G on the coding strand, the complement: NSUN2 is on the minus strand). VCF-style: chr5-6607351-T-C. GRCh37 (hg19) VCF-style: chr5-6607464-T-C.
Other names: c.1252A>G, p.Thr418Ala (NM_001193455.2); short protein forms T418A, T453A.
Identifiers: ClinVar variation 3362302 (VCV003362302.3).
Genomic context (GRCh38, chr5:6,607,351, plus strand): 5'-TTTCCAGCTTAGAGGGATCTGTGGGTTTCCCTTCTGTGAGATCTGCAGGGCTCAGCTGTG[T>C]GCTTTCTCTGGTCTCTGCAGATTTACCCTGAAGCTGTCATAAAGAACAATTTCATTGACA-3'
Protein context (NP_060225.4, residues 443-463): QGKSAETRES[Thr453Ala]QLSPADLTEG